The following is an entry in ClinVar:

ClinVar aggregate classification (germline): Likely pathogenic (1 of 4 stars; one submission).

Conditions:
Dyskeratosis congenita, autosomal dominant 2. Identifiers: MedGen C3151443, MONDO:0013521, OMIM 613989.
Idiopathic Pulmonary Fibrosis. Also called: Idiopathic fibrosing alveolitis, chronic form; idiopathic fibrosing alveolitis. Identifiers: Orphanet 2032, MedGen C1800706, MeSH D054990, MONDO:0800504.

Submission:

Labcorp Genetics (formerly Invitae), Labcorp
Classification: Likely pathogenic for Dyskeratosis congenita, autosomal dominant 2; Idiopathic Pulmonary Fibrosis. Last evaluated: 2025-10-01. Review status: criteria provided, single submitter. Criteria: Invitae Variant Classification Sherloc (09022015). Collection method: clinical testing. Allele origin: germline.
Comment: This sequence change affects a donor splice site in intron 3 of the TERT gene. It is expected to disrupt RNA splicing. Variants that disrupt the donor or acceptor splice site typically lead to a loss of protein function (PMID: 16199547), and loss-of-function variants in TERT are known to be pathogenic (PMID: 16247010, 17460043). This variant is not present in population databases (gnomAD no frequency). This variant has not been reported in the literature in individuals affected with TERT-related conditions. ClinVar contains an entry for this variant (Variation ID: 3753470). Algorithms developed to predict the effect of sequence changes on RNA splicing suggest that this variant may disrupt the consensus splice site. In summary, the currently available evidence indicates that the variant is pathogenic, but additional data are needed to prove that conclusively. Therefore, this variant has been classified as Likely Pathogenic.

Literature cited by the submitters: PubMed 16199547; PubMed 16247010; PubMed 17460043.

NM_198253.3(TERT):c.1769+2T>C

Gene: TERT (telomerase reverse transcriptase; minus strand). Cytogenetic location: 5p15.33.
Variant type: single nucleotide variant.
Coding change: c.1769+2T>C on transcript NM_198253.3 (MANE Select); the canonical splice donor site of the intron after coding-DNA position 1769, T replaced by C.
Molecular consequence: splice donor variant.
Genome position (GRCh38, 1-based): chr5:1,282,427, A>G on the plus strand (T>C on the coding strand, the complement: TERT is on the minus strand). VCF-style: chr5-1282427-A-G. GRCh37 (hg19) VCF-style: chr5-1282542-A-G.
Other names: c.1769+2T>C (NM_001193376.3).
Identifiers: ClinVar variation 3753470 (VCV003753470.2).